The following is an entry in ClinVar:

ClinVar aggregate classification (germline): Uncertain significance (1 of 4 stars; one submission).

Submission:

Labcorp Genetics (formerly Invitae), Labcorp
Classification: Uncertain significance. Last evaluated: 2021-12-19. Review status: criteria provided, single submitter. Criteria: Invitae Variant Classification Sherloc (09022015). Collection method: clinical testing. Allele origin: germline.
Comment: In summary, the available evidence is currently insufficient to determine the role of this variant in disease. Therefore, it has been classified as a Variant of Uncertain Significance. Algorithms developed to predict the effect of missense changes on protein structure and function are either unavailable or do not agree on the potential impact of this missense change (SIFT: "Deleterious"; PolyPhen-2: "Not Available"; Align-GVGD: "Class C0"). This variant has not been reported in the literature in individuals affected with PDZD7-related conditions. This variant is not present in population databases (gnomAD no frequency). This sequence change replaces arginine, which is basic and polar, with serine, which is neutral and polar, at codon 524 of the PDZD7 protein (p.Arg524Ser).

NM_001195263.2(PDZD7):c.1570C>A (p.Arg524Ser)

Gene: PDZD7 (PDZ domain containing 7; minus strand). Cytogenetic location: 10q24.31.
Variant type: single nucleotide variant.
Coding change: c.1570C>A on transcript NM_001195263.2 (MANE Select); coding-DNA position 1570, C replaced by A.
Protein change: p.Arg524Ser; replaces arginine 524 with serine.
Molecular consequence: missense variant.
Genome position (GRCh38, 1-based): chr10:101,016,380, G>T on the plus strand (C>A on the coding strand, the complement: PDZD7 is on the minus strand). VCF-style: chr10-101016380-G-T. GRCh37 (hg19) VCF-style: chr10-102776137-G-T.
Other names: short protein forms R524S.
Identifiers: ClinVar variation 2048011 (VCV002048011.4), dbSNP rs1020577070, ClinGen allele CA378227193.